The following is an entry in ClinVar:

NC_000010.11:g.110151580C>T

Genes: ADD3 (adducin 3; plus strand), LOC105378479 (uncharacterized LOC105378479; minus strand). Cytogenetic location: 10q25.2.
Variant type: single nucleotide variant.
Molecular consequence: non-coding transcript variant (on NR_164121.1).
Genome position: GRCh38 VCF-style: chr10-110151580-C-T. GRCh37 (hg19) VCF-style: chr10-111911338-C-T.
Identifiers: ClinVar variation 2640823 (VCV002640823.24), dbSNP rs72828296, ClinGen allele CA213200567.

ClinVar aggregate classification (germline): Benign (1 of 4 stars; one submission).

Allele frequency attached by ClinVar (database versions not stated): 1000 Genomes Project 0.00319; 1000 Genomes Project 30x 0.00344; TOPMed 0.00905; gnomAD 0.01002.

Submission:

CeGaT Center for Human Genetics Tuebingen
Classification: Benign. Last evaluated: 2022-11-01. Review status: criteria provided, single submitter. Criteria: CeGaT Center For Human Genetics Tuebingen Variant Classification Criteria Version 2. Collection method: clinical testing. Allele origin: germline. Affected: yes. Observed: 1 variant allele.
Comment: ADD3: BS1, BS2